The following is an entry in ClinVar:

NM_002471.4(MYH6):c.4651-19T>A

Genes: MYH6 (myosin heavy chain 6; minus strand), LOC126861896 (BRD4-independent group 4 enhancer GRCh37_chr14:23854904-23856103; plus strand). Cytogenetic location: 14q11.2.
Variant type: single nucleotide variant.
Coding change: c.4651-19T>A on transcript NM_002471.4 (MANE Select); 19 bases into the intron before coding-DNA position 4651, T replaced by A.
Molecular consequence: intron variant.
Genome position (GRCh38, 1-based): chr14:23,386,642, A>T on the plus strand (T>A on the coding strand, the complement: MYH6 is on the minus strand). VCF-style: chr14-23386642-A-T. GRCh37 (hg19) VCF-style: chr14-23855851-A-T.
Identifiers: ClinVar variation 3043747 (VCV003043747.3), dbSNP rs2138585614, ClinGen allele CA961065452.
Genomic context (GRCh38, chr14:23,386,642, plus strand): 5'-CTGGGCCCGGAGGATCTTGCCCTCCTCGTGCTCCAGGGAGGCCTGGGAAGGGGTGGGGCG[A>T]GGGCGGGCAGACAGGGCACAGGGCAGGGTTGAGAGGGAGGATGAGAAGATACACGGTGTC-3'

ClinVar aggregate classification (germline): Likely benign. Review status: criteria provided, single submitter (1 of 4 stars). 2 submissions from 2 submitters: Likely benign (1). 1 of the submissions does not count toward it. Last evaluated 2024-08-12.

Conditions:
MYH6-related disorder. Also called: MYH6-related condition; MYH6-Related Disorders.

Submissions (2):

Blueprint Genetics
Classification: Likely benign. Last evaluated: 2024-08-12. Review status: criteria provided, single submitter. Criteria: ACMG Guidelines, 2015. Collection method: clinical testing. Allele origin: germline.

PreventionGenetics, part of Exact Sciences
Classification: Likely benign for MYH6-related condition. Last evaluated: 2021-05-05. Review status: no assertion criteria provided. Collection method: clinical testing. Allele origin: germline. Not counted in ClinVar's aggregate classification.
Comment: This variant is classified as likely benign based on ACMG/AMP sequence variant interpretation guidelines (Richards et al. 2015 PMID: 25741868, with internal and published modifications).